The following is an entry in ClinVar:

NM_032776.3(JMJD1C):c.1789G>A (p.Val597Ile)

Gene: JMJD1C (jumonji domain containing 1C; minus strand). Cytogenetic location: 10q21.3.
Variant type: single nucleotide variant.
Coding change: c.1789G>A on transcript NM_032776.3 (MANE Select); coding-DNA position 1789, G replaced by A.
Protein change: p.Val597Ile; replaces valine 597 with isoleucine.
Molecular consequence: missense variant. On other transcripts: non-coding transcript variant (1).
Genome position (GRCh38, 1-based): chr10:63,214,378, C>T on the plus strand (G>A on the coding strand, the complement: JMJD1C is on the minus strand). VCF-style: chr10-63214378-C-T. GRCh37 (hg19) VCF-style: chr10-64974138-C-T.
Other names: c.1243G>A, p.Val415Ile (NM_001282948.2, NM_001318154.2); c.925G>A, p.Val309Ile (NM_001318153.2); c.1675G>A, p.Val559Ile (NM_001322252.2); c.1132G>A, p.Val378Ile (NM_001322254.2, NM_001322258.2); short protein forms V597I, V309I, V415I, V378I, V559I.
Identifiers: ClinVar variation 582448 (VCV000582448.8), dbSNP rs1564621588, ClinGen allele CA377047688.

ClinVar aggregate classification (germline): Uncertain significance (1 of 4 stars; one submission).

Conditions:
Early Myoclonic Encephalopathy. Identifiers: MedGen C0270855.

Submission:

Labcorp Genetics (formerly Invitae), Labcorp
Classification: Uncertain significance for Early Myoclonic Encephalopathy. Last evaluated: 2018-04-24. Review status: criteria provided, single submitter. Criteria: Invitae Variant Classification Sherloc (09022015). Collection method: clinical testing. Allele origin: germline.
Comment: This sequence change replaces valine with isoleucine at codon 597 of the JMJD1C protein (p.Val597Ile). The valine residue is moderately conserved and there is a small physicochemical difference between valine and isoleucine. This variant is not present in population databases (ExAC no frequency). This variant has not been reported in the literature in individuals with JMJD1C-related disease. Algorithms developed to predict the effect of missense changes on protein structure and function output the following: SIFT: "Tolerated"; PolyPhen-2: "Benign"; Align-GVGD: "Class C0". The isoleucine amino acid residue is found in multiple mammalian species, suggesting that this missense change does not adversely affect protein function. These predictions have not been confirmed by published functional studies and their clinical significance is uncertain. In summary, the available evidence is currently insufficient to determine the role of this variant in disease. Therefore, it has been classified as a Variant of Uncertain Significance.